The following is an entry in ClinVar:

ClinVar aggregate classification (germline): Uncertain significance (1 of 4 stars; one submission).

gnomAD v4.1: 2 of 1,613,998 alleles (0.00012%); highest among the groups gnomAD compares: South Asian, 0.0011%; no homozygotes.

Submission:

Labcorp Genetics (formerly Invitae), Labcorp
Classification: Uncertain significance. Last evaluated: 2024-08-20. Review status: criteria provided, single submitter. Criteria: Invitae Variant Classification Sherloc (09022015). Collection method: clinical testing. Allele origin: germline.
Comment: This sequence change replaces asparagine, which is neutral and polar, with lysine, which is basic and polar, at codon 4786 of the HMCN1 protein (p.Asn4786Lys). This variant is present in population databases (no rsID available, gnomAD 0.003%). This variant has not been reported in the literature in individuals affected with HMCN1-related conditions. An algorithm developed to predict the effect of missense changes on protein structure and function (PolyPhen-2) suggests that this variant is likely to be disruptive. In summary, the available evidence is currently insufficient to determine the role of this variant in disease. Therefore, it has been classified as a Variant of Uncertain Significance.

NM_031935.3(HMCN1):c.14358C>A (p.Asn4786Lys)

Gene: HMCN1 (hemicentin 1; plus strand). Cytogenetic location: 1q31.1.
Variant type: single nucleotide variant.
Coding change: c.14358C>A on transcript NM_031935.3 (MANE Select); coding-DNA position 14358, C replaced by A.
Protein change: p.Asn4786Lys; replaces asparagine 4786 with lysine.
Molecular consequence: missense variant.
Genome position (GRCh38, 1-based): chr1:186,145,494, C>A. VCF-style: chr1-186145494-C-A. GRCh37 (hg19) VCF-style: chr1-186114626-C-A.
Other names: short protein forms N4786K.
Identifiers: ClinVar variation 3685167 (VCV003685167.2).